The following is an entry in ClinVar:

ClinVar aggregate classification (germline): Conflicting classifications of pathogenicity. Review status: criteria provided, conflicting classifications (1 of 4 stars). 4 submissions from 4 submitters: Uncertain significance (3); Likely benign (1). Last evaluated 2026-07-28.

Conditions:
Neurofibromatosis, type 1 (NF1). Also called: VON RECKLINGHAUSEN DISEASE; Neurofibromatosis, type I; Peripheral type neurofibromatosis; NEUROFIBROMATOSIS, TYPE I, SOMATIC. Identifiers: Orphanet 636, MedGen C0027831, MONDO:0018975, OMIM 162200. Disease mechanism: loss of function.
Juvenile myelomonocytic leukemia (JMML). Also called: LEUKEMIA, JUVENILE MYELOMONOCYTIC, SOMATIC. Identifiers: Orphanet 86834, MedGen C0349639, MONDO:0011908, OMIM 607785, HP:0012209.
Hereditary cancer-predisposing syndrome. Also called: Neoplastic Syndromes, Hereditary; Hereditary neoplastic syndrome; Hereditary Cancer Syndrome; Tumor predisposition. Identifiers: Orphanet 140162, MedGen C0027672, MeSH D009386, MONDO:0015356.
Cardiovascular phenotype. Identifiers: MedGen CN230736.

Allele frequency attached by ClinVar (database versions not stated): gnomAD exomes below 0.00001.
gnomAD v4.1: 2 of 1,614,062 alleles (0.00012%); highest among the groups gnomAD compares: Non-Finnish European, 0.000085%; no homozygotes.

Submissions (4):

Ambry Genetics
Classification: Likely benign for Cardiovascular phenotype; Hereditary cancer-predisposing syndrome. Last evaluated: 2026-07-28. Review status: criteria provided, single submitter. Criteria: Ambry Variant Classification Scheme 2023. Collection method: clinical testing. Allele origin: germline.

Labcorp Genetics (formerly Invitae), Labcorp
Classification: Uncertain significance for Neurofibromatosis, type 1. Last evaluated: 2024-07-21. Review status: criteria provided, single submitter. Criteria: Invitae Variant Classification Sherloc (09022015). Collection method: clinical testing. Allele origin: germline.
Comment: This sequence change replaces asparagine, which is neutral and polar, with serine, which is neutral and polar, at codon 2777 of the NF1 protein (p.Asn2777Ser). This variant is not present in population databases (gnomAD no frequency). This variant has not been reported in the literature in individuals affected with NF1-related conditions. ClinVar contains an entry for this variant (Variation ID: 484088). Advanced modeling of protein sequence and biophysical properties (such as structural, functional, and spatial information, amino acid conservation, physicochemical variation, residue mobility, and thermodynamic stability) has been performed at Invitae for this missense variant, however the output from this modeling did not meet the statistical confidence thresholds required to predict the impact of this variant on NF1 protein function. In summary, the available evidence is currently insufficient to determine the role of this variant in disease. Therefore, it has been classified as a Variant of Uncertain Significance.

Baylor Genetics
Classification: Uncertain significance for Juvenile myelomonocytic leukemia. Last evaluated: 2024-02-01. Review status: criteria provided, single submitter. Criteria: ACMG Guidelines, 2015. Collection method: clinical testing. Allele origin: unknown.

Genome-Nilou Lab
Classification: Uncertain significance for Neurofibromatosis, type 1. Last evaluated: 2022-03-15. Review status: criteria provided, single submitter. Criteria: ACMG Guidelines, 2015. Collection method: clinical testing. Allele origin: germline. Affected: no.

NM_001042492.3(NF1):c.8393A>G (p.Asn2798Ser)

Gene: NF1 (neurofibromin 1; plus strand). Cytogenetic location: 17q11.2.
Variant type: single nucleotide variant.
Coding change: c.8393A>G on transcript NM_001042492.3 (MANE Select); coding-DNA position 8393, A replaced by G.
Protein change: p.Asn2798Ser; replaces asparagine 2798 with serine.
Molecular consequence: missense variant.
Genome position (GRCh38, 1-based): chr17:31,374,028, A>G. VCF-style: chr17-31374028-A-G. GRCh37 (hg19) VCF-style: chr17-29701046-A-G.
Other names: c.8330A>G, p.Asn2777Ser (NM_000267.4); short protein forms N2777S, N2798S.
Identifiers: ClinVar variation 484088 (VCV000484088.15), dbSNP rs1555538515, ClinGen allele CA399205882.